The following is an entry in ClinVar:

ClinVar aggregate classification (germline): Conflicting classifications of pathogenicity. Review status: criteria provided, conflicting classifications (1 of 4 stars). 4 submissions from 4 submitters: Likely pathogenic (3); Uncertain significance (1). Last evaluated 2024-11-05.

Conditions:
TPO-related disorder. Also called: TPO-related condition.
Deficiency of iodide peroxidase (TDH2A). Also called: HYPOTHYROIDISM, CONGENITAL, DUE TO DYSHORMONOGENESIS, 2A; IODIDE PEROXIDASE DEFICIENCY; THYROID HORMONOGENESIS, GENETIC DEFECT IN, 2A; THYROID PEROXIDASE DEFICIENCY; Thyroid dyshormonogenesis 2A. Identifiers: Orphanet 95716, MedGen C1291299, MONDO:0010133, OMIM 274500.

gnomAD v4.1: 18 of 1,613,870 alleles (0.0011%); highest among the groups gnomAD compares: Non-Finnish European, 0.0014%; no homozygotes.

Submissions (4):

Women's Health and Genetics/Laboratory Corporation of America, LabCorp
Classification: Uncertain significance. Last evaluated: 2024-11-05. Review status: criteria provided, single submitter. Criteria: LabCorp Variant Classification Summary - May 2015. Collection method: clinical testing. Allele origin: germline.
Comment: Variant summary: TPO c.1999G>A (p.Gly667Ser) results in a non-conservative amino acid change located in the Haem peroxidase domain superfamily domain (IPR037120) of the encoded protein sequence. Five of five in-silico tools predict a damaging effect of the variant on protein function. The frequency data for this variant in gnomAD is considered unreliable, as metrics indicate poor data quality at this position. c.1999G>A has been reported in the literature in heterozygous and compound heterozygous individuals affected with congenital goitrous hypothyroidism (e.g. Avbelj_2007, Ma_2012). These data indicate that the variant may be associated with disease. To our knowledge, no experimental evidence demonstrating an impact on protein function has been reported. The following publications have been ascertained in the context of this evaluation (PMID: 17468186, 23329183). No submitters have cited clinical-significance assessments for this variant to ClinVar. Based on the evidence outlined above, the variant was classified as VUS-possibly pathogenic.

Blueprint Genetics
Classification: Likely pathogenic for TPO-related disorders. Last evaluated: 2024-02-02. Review status: criteria provided, single submitter. Criteria: ACMG Guidelines, 2015. Collection method: clinical testing. Allele origin: germline. Affected: yes. Observed: 2 variant alleles.

Fulgent Genetics
Classification: Likely pathogenic for Deficiency of iodide peroxidase. Last evaluated: 2024-01-06. Review status: criteria provided, single submitter. Criteria: ACMG Guidelines, 2015. Collection method: clinical testing. Allele origin: germline.

Clinical Genetics Service, Universitary Hospital 12 de Octubre
Classification: Likely pathogenic for Deficiency of iodide peroxidase. Review status: criteria provided, single submitter. Criteria: ACMG Guidelines, 2015. Collection method: clinical testing. Allele origin: germline. Affected: yes.

Literature cited by the submitters: PubMed 17468186 (cited by Women's Health and Genetics/Laboratory Corporation of America, LabCorp); PubMed 23329183 (cited by Women's Health and Genetics/Laboratory Corporation of America, LabCorp).

NM_001206744.2(TPO):c.1999G>A (p.Gly667Ser)

Genes: LALTOP (lung cancer associated lncRNA targeting TOP2A; minus strand), TPO (thyroid peroxidase; plus strand). Cytogenetic location: 2p25.3.
Variant type: single nucleotide variant.
Coding change: c.1999G>A on transcript NM_001206744.2 (MANE Select); coding-DNA position 1999, G replaced by A.
Protein change: p.Gly667Ser; replaces glycine 667 with serine.
Molecular consequence: missense variant.
Genome position (GRCh38, 1-based): chr2:1,494,032, G>A. VCF-style: chr2-1494032-G-A. GRCh37 (hg19) VCF-style: chr2-1497804-G-A.
Other names: c.1999G>A (NM_000547.5); c.1999G>A, p.Gly667Ser (NM_000547.6, NM_175721.3); c.1828G>A, p.Gly610Ser (NM_001206745.2, NM_175719.4); c.1480G>A, p.Gly494Ser (NM_175722.3); short protein forms G610S, G667S, G494S.
Identifiers: ClinVar variation 3584390 (VCV003584390.4).